The following is an entry in ClinVar:

ClinVar aggregate classification (germline): Uncertain significance (1 of 4 stars; one submission).

Conditions:
KBG syndrome (KBGS). Also called: ANKRD11-Related KBG Syndrome. Identifiers: Orphanet 2332, MedGen C0220687, MONDO:0007846, OMIM 148050.

Submission:

Labcorp Genetics (formerly Invitae), Labcorp
Classification: Uncertain significance for KBG syndrome. Last evaluated: 2023-04-14. Review status: criteria provided, single submitter. Criteria: Invitae Variant Classification Sherloc (09022015). Collection method: clinical testing. Allele origin: germline.
Comment: In summary, the available evidence is currently insufficient to determine the role of this variant in disease. Therefore, it has been classified as a Variant of Uncertain Significance. Advanced modeling of protein sequence and biophysical properties (such as structural, functional, and spatial information, amino acid conservation, physicochemical variation, residue mobility, and thermodynamic stability) performed at Invitae indicates that this missense variant is not expected to disrupt ANKRD11 protein function. This variant has not been reported in the literature in individuals affected with ANKRD11-related conditions. This variant is not present in population databases (gnomAD no frequency). This sequence change replaces proline, which is neutral and non-polar, with glutamine, which is neutral and polar, at codon 999 of the ANKRD11 protein (p.Pro999Gln).

NM_013275.6(ANKRD11):c.2996C>A (p.Pro999Gln)

Gene: ANKRD11 (ankyrin repeat domain 11; minus strand). Cytogenetic location: 16q24.3.
Variant type: single nucleotide variant.
Coding change: c.2996C>A on transcript NM_013275.6 (MANE Select); coding-DNA position 2996, C replaced by A.
Protein change: p.Pro999Gln; replaces proline 999 with glutamine.
Molecular consequence: missense variant.
Genome position (GRCh38, 1-based): chr16:89,283,546, G>T on the plus strand (C>A on the coding strand, the complement: ANKRD11 is on the minus strand). VCF-style: chr16-89283546-G-T. GRCh37 (hg19) VCF-style: chr16-89349954-G-T.
Other names: c.2996C>A, p.Pro999Gln (NM_001256182.2, NM_001256183.2); short protein forms P999Q.
Identifiers: ClinVar variation 2852919 (VCV002852919.3), dbSNP rs780895582, ClinGen allele CA397160831.
Genomic context (GRCh38, chr16:89,283,546, plus strand): 5'-CTTTCCTTATCGGGGCCATCCTTCTTCTCCTTCTCTCGTGCTGGGTGGTGCCGTTCCCAC[G>T]GCTCCAGGCCCTTCCCAAAGTCGCCGTCGGACTTGTCCTTGAAGCCACTCTCGCAGCCAC-3'
Protein context (NP_037407.4, residues 989-1009): SDGDFGKGLE[Pro999Gln]WERHHPAREK